The following is an entry in ClinVar:

ClinVar aggregate classification (germline): Uncertain significance. Review status: criteria provided, multiple submitters, no conflicts (2 of 4 stars). 2 submissions from 2 submitters: Uncertain significance (2). Last evaluated 2025-03-14.

Conditions:
SEMA3G-related disorder. Also called: SEMA3G-related condition.

gnomAD v4.1: 4 of 1,612,716 alleles (0.00025%); highest among the groups gnomAD compares: South Asian, 0.0011%; no homozygotes.

Submissions (2):

PreventionGenetics, part of Exact Sciences
Classification: Uncertain significance for SEMA3G-related condition. Last evaluated: 2025-03-14. Review status: criteria provided, single submitter. Criteria: ACMG Guidelines, 2015. Collection method: clinical testing. Allele origin: germline.
Comment: The SEMA3G c.1867G>A variant is predicted to result in the amino acid substitution p.Gly623Arg. To our knowledge, this variant has not been reported in the literature. This variant is reported in 0.0033% of alleles in individuals of South Asian descent in gnomAD. At this time, the clinical significance of this variant is uncertain due to the absence of conclusive functional and genetic evidence.

Ambry Genetics
Classification: Uncertain significance. Last evaluated: 2024-03-05. Review status: criteria provided, single submitter. Criteria: Ambry Variant Classification Scheme 2023. Collection method: clinical testing. Allele origin: germline.

NM_020163.3(SEMA3G):c.1867G>A (p.Gly623Arg)

Gene: SEMA3G (semaphorin 3G; minus strand). Cytogenetic location: 3p21.1.
Variant type: single nucleotide variant.
Coding change: c.1867G>A on transcript NM_020163.3 (MANE Select); coding-DNA position 1867, G replaced by A.
Protein change: p.Gly623Arg; replaces glycine 623 with arginine.
Molecular consequence: missense variant.
Genome position (GRCh38, 1-based): chr3:52,437,538, C>T on the plus strand (G>A on the coding strand, the complement: SEMA3G is on the minus strand). VCF-style: chr3-52437538-C-T. GRCh37 (hg19) VCF-style: chr3-52471554-C-T.
Other names: c.1867G>A (NM_020163.2); short protein forms G623R.
Identifiers: ClinVar variation 3159745 (VCV003159745.2), dbSNP rs770751565, ClinGen allele CA74764611.
Genomic context (GRCh38, chr3:52,437,538, plus strand): 5'-GGTGACCTCAGGACACACAGAGGCTAGAGGCAGGGGTCTCCTCACTCACCTGGTCAGGCC[C>T]CTCATCCCCTGGCCTCTGCAAGAGCCAGCGCACAGCAGCCTGGGGAGACTTGGGCAGGCA-3'
Protein context (NP_064548.1, residues 613-633): RWLLQRPGDE[Gly623Arg]PDQVKTDERV